The following is an entry in ClinVar:

NM_018026.4(PACS1):c.1755C>A (p.Asp585Glu)

Gene: PACS1 (phosphofurin acidic cluster sorting protein 1; plus strand). Cytogenetic location: 11q13.2.
Variant type: single nucleotide variant.
Coding change: c.1755C>A on transcript NM_018026.4 (MANE Select); coding-DNA position 1755, C replaced by A.
Protein change: p.Asp585Glu; replaces aspartic acid 585 with glutamic acid.
Molecular consequence: missense variant.
Genome position (GRCh38, 1-based): chr11:66,232,983, C>A. VCF-style: chr11-66232983-C-A. GRCh37 (hg19) VCF-style: chr11-66000454-C-A.
Other names: short protein forms D585E.
Identifiers: ClinVar variation 2844141 (VCV002844141.3), dbSNP rs775810958, ClinGen allele CA381370328.

ClinVar aggregate classification (germline): Uncertain significance (1 of 4 stars; one submission).

Conditions:
Schuurs-Hoeijmakers syndrome. Also called: PACS1-Related Neurodevelopmental Disorder. Identifiers: Orphanet 329224, MedGen C3554343, MONDO:0014006, OMIM 615009.

Allele frequency attached by ClinVar (database versions not stated): TOPMed 0.00001; gnomAD exomes below 0.00001.
gnomAD v4.1: 2 of 1,612,868 alleles (0.00012%); highest among the groups gnomAD compares: Non-Finnish European, 0.000085%; no homozygotes.

Submission:

Labcorp Genetics (formerly Invitae), Labcorp
Classification: Uncertain significance for Schuurs-Hoeijmakers syndrome. Last evaluated: 2023-12-06. Review status: criteria provided, single submitter. Criteria: Invitae Variant Classification Sherloc (09022015). Collection method: clinical testing. Allele origin: germline.
Comment: This sequence change replaces aspartic acid, which is acidic and polar, with glutamic acid, which is acidic and polar, at codon 585 of the PACS1 protein (p.Asp585Glu). This variant is not present in population databases (gnomAD no frequency). This variant has not been reported in the literature in individuals affected with PACS1-related conditions. Advanced modeling of protein sequence and biophysical properties (such as structural, functional, and spatial information, amino acid conservation, physicochemical variation, residue mobility, and thermodynamic stability) performed at Invitae indicates that this missense variant is not expected to disrupt PACS1 protein function with a negative predictive value of 80%. In summary, the available evidence is currently insufficient to determine the role of this variant in disease. Therefore, it has been classified as a Variant of Uncertain Significance.